The following is an entry in ClinVar:

NM_002427.4(MMP13):c.121-3T>C

Genes: MMP13 (matrix metallopeptidase 13; minus strand), LOC126861318 (BRD4-independent group 4 enhancer GRCh37_chr11:102825894-102827093; plus strand). Cytogenetic location: 11q22.2.
Variant type: single nucleotide variant.
Coding change: c.121-3T>C on transcript NM_002427.4 (MANE Select); 3 bases into the intron before coding-DNA position 121, T replaced by C.
Molecular consequence: intron variant.
Genome position (GRCh38, 1-based): chr11:102,955,496, A>G on the plus strand (T>C on the coding strand, the complement: MMP13 is on the minus strand). VCF-style: chr11-102955496-A-G. GRCh37 (hg19) VCF-style: chr11-102826225-A-G.
Identifiers: ClinVar variation 3683589 (VCV003683589.2).

ClinVar aggregate classification (germline): Uncertain significance (1 of 4 stars; one submission).

gnomAD v4.1: 3 of 1,614,068 alleles (0.00019%); highest among the groups gnomAD compares: Non-Finnish European, 0.00025%; no homozygotes.

Submission:

Labcorp Genetics (formerly Invitae), Labcorp
Classification: Uncertain significance. Last evaluated: 2025-07-29. Review status: criteria provided, single submitter. Criteria: Invitae Variant Classification Sherloc (09022015). Collection method: clinical testing. Allele origin: germline.
Comment: This sequence change falls in intron 1 of the MMP13 gene. It does not directly change the encoded amino acid sequence of the MMP13 protein. It affects a nucleotide within the consensus splice site. This variant is not present in population databases (gnomAD no frequency). This variant has not been reported in the literature in individuals affected with MMP13-related conditions. ClinVar contains an entry for this variant (Variation ID: 3683589). Variants that disrupt the consensus splice site are a relatively common cause of aberrant splicing (PMID: 17576681, 9536098). Algorithms developed to predict the effect of sequence changes on RNA splicing suggest that this variant is not likely to affect RNA splicing. In summary, the available evidence is currently insufficient to determine the role of this variant in disease. Therefore, it has been classified as a Variant of Uncertain Significance.

Literature cited by the submitters: PubMed 17576681; PubMed 9536098.